The following is an entry in ClinVar:

NM_002439.5(MSH3):c.281A>G (p.Asp94Gly)

Gene: MSH3 (mutS homolog 3; plus strand). Cytogenetic location: 5q14.1.
Variant type: single nucleotide variant.
Coding change: c.281A>G on transcript NM_002439.5 (MANE Select); coding-DNA position 281, A replaced by G.
Protein change: p.Asp94Gly; replaces aspartic acid 94 with glycine.
Molecular consequence: missense variant.
Genome position (GRCh38, 1-based): chr5:80,656,454, A>G. VCF-style: chr5-80656454-A-G. GRCh37 (hg19) VCF-style: chr5-79952273-A-G.
Other names: c.281A>G (NM_002439.3); short protein forms D94G.
Identifiers: ClinVar variation 2759367 (VCV002759367.4), dbSNP rs2546712176, ClinGen allele CA360266246.

ClinVar aggregate classification (germline): Uncertain significance. Review status: criteria provided, multiple submitters, no conflicts (2 of 4 stars). 2 submissions from 2 submitters: Uncertain significance (2). Last evaluated 2026-03-04.

Conditions:
Hereditary cancer-predisposing syndrome. Also called: Tumor predisposition; Hereditary Cancer Syndrome; Hereditary neoplastic syndrome; Neoplastic Syndromes, Hereditary. Identifiers: Orphanet 140162, MedGen C0027672, MeSH D009386, MONDO:0015356.

Submissions (2):

Ambry Genetics
Classification: Uncertain significance for Hereditary cancer-predisposing syndrome. Last evaluated: 2026-03-04. Review status: criteria provided, single submitter. Criteria: Ambry Variant Classification Scheme 2023. Collection method: clinical testing. Allele origin: germline.
Comment: The p.D94G variant (also known as c.281A>G), located in coding exon 2 of the MSH3 gene, results from an A to G substitution at nucleotide position 281. The aspartic acid at codon 94 is replaced by glycine, an amino acid with similar properties. This amino acid position is conserved. In addition, this alteration is predicted to be tolerated by in silico analysis. Based on the available evidence, the clinical significance of this variant remains unclear.

Labcorp Genetics (formerly Invitae), Labcorp
Classification: Uncertain significance. Last evaluated: 2023-09-09. Review status: criteria provided, single submitter. Criteria: Invitae Variant Classification Sherloc (09022015). Collection method: clinical testing. Allele origin: germline.
Comment: In summary, the available evidence is currently insufficient to determine the role of this variant in disease. Therefore, it has been classified as a Variant of Uncertain Significance. Algorithms developed to predict the effect of missense changes on protein structure and function output the following: SIFT: "Not Available"; PolyPhen-2: "Benign"; Align-GVGD: "Not Available". The glycine amino acid residue is found in multiple mammalian species, which suggests that this missense change does not adversely affect protein function. This variant is not present in population databases (gnomAD no frequency). This sequence change replaces aspartic acid, which is acidic and polar, with glycine, which is neutral and non-polar, at codon 94 of the MSH3 protein (p.Asp94Gly). This variant has not been reported in the literature in individuals affected with MSH3-related conditions.